The following is an entry in ClinVar:

ClinVar aggregate classification (germline): Uncertain significance. Review status: criteria provided, multiple submitters, no conflicts (2 of 4 stars). 2 submissions from 2 submitters: Uncertain significance (2). Last evaluated 2024-02-20.

Conditions:
Developmental and epileptic encephalopathy, 50 (DEE50). Also called: Epileptic encephalopathy, early infantile, 50. Identifiers: Orphanet 448010, MedGen C4225320, MONDO:0014647, OMIM 616457.

Allele frequency attached by ClinVar (database versions not stated): gnomAD exomes below 0.00001; gnomAD 0.00001; TOPMed 0.00002.
gnomAD v4.1: 5 of 1,614,104 alleles (0.00031%); highest among the groups gnomAD compares: Admixed American, 0.0017%; no homozygotes.

Submissions (2):

Labcorp Genetics (formerly Invitae), Labcorp
Classification: Uncertain significance. Last evaluated: 2024-02-20. Review status: criteria provided, single submitter. Criteria: Invitae Variant Classification Sherloc (09022015). Collection method: clinical testing. Allele origin: germline.
Comment: This sequence change replaces alanine, which is neutral and non-polar, with valine, which is neutral and non-polar, at codon 1552 of the CAD protein (p.Ala1552Val). This variant is present in population databases (no rsID available, gnomAD 0.003%). This variant has not been reported in the literature in individuals affected with CAD-related conditions. ClinVar contains an entry for this variant (Variation ID: 1028732). An algorithm developed to predict the effect of missense changes on protein structure and function (PolyPhen-2) suggests that this variant is likely to be tolerated. In summary, the available evidence is currently insufficient to determine the role of this variant in disease. Therefore, it has been classified as a Variant of Uncertain Significance.

Baylor Genetics
Classification: Uncertain significance for Developmental and epileptic encephalopathy, 50. Last evaluated: 2019-03-21. Review status: criteria provided, single submitter. Criteria: ACMG Guidelines, 2015. Collection method: clinical testing. Allele origin: unknown. Affected: yes.
Comment: This variant was determined to be of uncertain significance according to ACMG Guidelines, 2015 [PMID:25741868].

NM_004341.5(CAD):c.4655C>T (p.Ala1552Val)

Gene: CAD (carbamoyl-phosphate synthetase 2, aspartate transcarbamylase, and dihydroorotase; plus strand). Cytogenetic location: 2p23.3.
Variant type: single nucleotide variant.
Coding change: c.4655C>T on transcript NM_004341.5 (MANE Select); coding-DNA position 4655, C replaced by T.
Protein change: p.Ala1552Val; replaces alanine 1552 with valine.
Molecular consequence: missense variant.
Genome position (GRCh38, 1-based): chr2:27,237,809, C>T. VCF-style: chr2-27237809-C-T. GRCh37 (hg19) VCF-style: chr2-27460677-C-T.
Other names: c.4466C>T, p.Ala1489Val (NM_001306079.2); short protein forms A1552V, A1489V.
Identifiers: ClinVar variation 1028732 (VCV001028732.6), dbSNP rs1041556030, ClinGen allele CA44514049.